The following is an entry in ClinVar:

ClinVar aggregate classification (germline): Uncertain significance (1 of 4 stars; one submission).

Conditions:
Hereditary breast ovarian cancer syndrome. Also called: Hereditary breast and ovarian cancer syndrome; Hereditary breast and/or ovarian cancer syndrome; Hereditary breast and ovarian cancer; Breast and ovarian cancer; Hereditary breast and ovarian cancer syndrome (HBOC); BRCA1- and BRCA2-Associated Hereditary Breast and Ovarian Cancer. Identifiers: Orphanet 145, MedGen C0677776, MeSH D061325, MONDO:0003582. Disease mechanism: loss of function.

Submission:

Labcorp Genetics (formerly Invitae), Labcorp
Classification: Uncertain significance for Hereditary breast ovarian cancer syndrome. Last evaluated: 2021-11-29. Review status: criteria provided, single submitter. Criteria: Invitae Variant Classification Sherloc (09022015). Collection method: clinical testing. Allele origin: germline.
Comment: In summary, the available evidence is currently insufficient to determine the role of this variant in disease. Therefore, it has been classified as a Variant of Uncertain Significance. Algorithms developed to predict the effect of missense changes on protein structure and function (SIFT, PolyPhen-2, Align-GVGD) all suggest that this variant is likely to be disruptive. This variant has not been reported in the literature in individuals affected with BRCA2-related conditions. This variant is not present in population databases (gnomAD no frequency). This sequence change replaces lysine, which is basic and polar, with glutamic acid, which is acidic and polar, at codon 2750 of the BRCA2 protein (p.Lys2750Glu).

NM_000059.4(BRCA2):c.8248A>G (p.Lys2750Glu)

Gene: BRCA2 (BRCA2 DNA repair associated; plus strand). Cytogenetic location: 13q13.1.
Variant type: single nucleotide variant.
Coding change: c.8248A>G on transcript NM_000059.4 (MANE Select); coding-DNA position 8248, A replaced by G.
Protein change: p.Lys2750Glu; replaces lysine 2750 with glutamic acid.
Molecular consequence: missense variant.
Genome position (GRCh38, 1-based): chr13:32,363,450, A>G. VCF-style: chr13-32363450-A-G. GRCh37 (hg19) VCF-style: chr13-32937587-A-G.
Other names: short protein forms K2750E.
Identifiers: ClinVar variation 1427990 (VCV001427990.6), dbSNP rs2072759875, ClinGen allele CA387749934.